The following is an entry in ClinVar:

ClinVar aggregate classification (germline): Conflicting classifications of pathogenicity. Review status: criteria provided, conflicting classifications (1 of 4 stars). 14 submissions from 14 submitters: Likely pathogenic (1); Uncertain significance (9). 4 of the submissions do not count toward it. Last evaluated 2026-05-15.

Conditions:
MYH6-related disorder. Also called: MYH6-related condition; MYH6-Related Disorders.
Cardiovascular phenotype. Identifiers: MedGen CN230736.
Atrial septal defect 3 (ASD3). Identifiers: Orphanet 1478, MedGen C3279790, MONDO:0013567, OMIM 614089.
Hypertrophic cardiomyopathy 1 (CMH1). Also called: MYH7-Related Familial Hypertrophic Cardiomyopathy; Familial hypertrophic cardiomyopathy 1. Identifiers: MedGen C3495498, MONDO:0008647, OMIM 192600.
Sick sinus syndrome 3, susceptibility to (SSS3). Identifiers: Orphanet 166282, MedGen C3279791, MONDO:0013568, OMIM 614090.
Dilated cardiomyopathy 1EE (CMD1EE). Identifiers: Orphanet 154, MedGen C2750466, MONDO:0013198, OMIM 613252.
Hypertrophic cardiomyopathy 14. Identifiers: MedGen C2750467, MONDO:0013197, OMIM 613251.
Left ventricular noncompaction 1 (LVNC1). Also called: LEFT VENTRICULAR NONCOMPACTION 1 WITH OR WITHOUT CONGENITAL HEART DEFECTS. Identifiers: Orphanet 54260, MedGen C1858725, MONDO:0011403, OMIM 604169.

Allele frequency attached by ClinVar (database versions not stated): gnomAD exomes 0.00006 and 0.00011; ExAC 0.00008; TOPMed 0.00010; gnomAD 0.00011; ESP Exome Variant Server 0.00015.
gnomAD v4.1: 175 of 1,612,794 alleles (0.011%); highest among the groups gnomAD compares: Admixed American, 0.033%; no homozygotes.

Submissions (15):

PreventionGenetics, part of Exact Sciences
Classification: Uncertain significance for MYH6-related condition. Last evaluated: 2026-05-15. Review status: criteria provided, single submitter. Criteria: ACMG Guidelines, 2015. Collection method: clinical testing. Allele origin: germline.
Comment: The MYH6 c.5519A>G variant is predicted to result in the amino acid substitution p.Lys1840Arg. This variant has been reported in multiple individuals with hypertrophic cardiomyopathy (HCM) (Rubattu et al. 2016. PubMed ID: 27483260; Table S3, Mazzarotto et al. 2019. PubMed ID: 29875424; Table S1, Preveden et al. 2022. PubMed ID: 35208637). It has also been observed in single individuals with dilated cardiomyopathy (DCM) (Table S4, Verdonschot et al. 2020. PubMed ID: 32880476) and hypoplastic left heart syndrome (HLHS) (Tomita-Mitchell et al. 2016. PubMed ID: 27789736). This variant is reported in 0.011% of alleles in individuals of Latino descent in gnomAD. At this time, the clinical significance of this variant is uncertain due to the absence of conclusive functional and genetic evidence.

Dasa
Classification: Uncertain significance. Last evaluated: 2026-04-20. Review status: criteria provided, single submitter. Criteria: DASA Assertion Criteria. Collection method: clinical testing. Allele origin: germline.
Comment: NM_002471.4(MYH6):c.5519A>G (p.Lys1840Arg) is a missense variant that results in the substitution of lysine with arginine. This variant has been recurrently observed in individuals with MYH6-related disorders (PMID: 39596649; PMID: 29875424; PMID: 27483260). This classification is supported by population frequency inconsistent with a disease-causing role. The currently available literature and clinical evidence are not sufficient to establish a definitive association between this variant and the reported condition. Therefore, this variant is classified as a variant of uncertain significance.

Labcorp Genetics (formerly Invitae), Labcorp
Classification: Uncertain significance for Hypertrophic cardiomyopathy 14. Last evaluated: 2025-12-11. Review status: criteria provided, single submitter. Criteria: Invitae Variant Classification Sherloc (09022015). Collection method: clinical testing. Allele origin: germline.
Comment: This sequence change replaces lysine, which is basic and polar, with arginine, which is basic and polar, at codon 1840 of the MYH6 protein (p.Lys1840Arg). This variant is present in population databases (rs373629059, gnomAD 0.01%). This missense change has been observed in individual(s) with MYH6-related conditions (PMID: 27483260, 27789736, 30847666, 32880476, 39596649). ClinVar contains an entry for this variant (Variation ID: 264214). Invitae Evidence Modeling of protein sequence and biophysical properties (such as structural, functional, and spatial information, amino acid conservation, physicochemical variation, residue mobility, and thermodynamic stability) indicates that this missense variant is not expected to disrupt MYH6 protein function with a negative predictive value of 80%. In summary, the available evidence is currently insufficient to determine the role of this variant in disease. Therefore, it has been classified as a Variant of Uncertain Significance.

Ambry Genetics
Classification: Uncertain significance for Cardiovascular phenotype. Last evaluated: 2023-12-11. Review status: criteria provided, single submitter. Criteria: Ambry Variant Classification Scheme 2023. Collection method: clinical testing. Allele origin: germline.
Comment: The p.K1840R variant (also known as c.5519A>G), located in coding exon 34 of the MYH6 gene, results from an A to G substitution at nucleotide position 5519. The lysine at codon 1840 is replaced by arginine, an amino acid with highly similar properties. This alteration has been reported in hypertrophic cardiomyopathy cohorts, in a dilated cardiomyopathy cohort, and in a hypoplastic left heart syndrome cohort; however, clinical details were limited (Rubattu S et al. Int J Mol Sci. 2016;17; Tomita-Mitchell A et al. Physiol. Genomics. 2016;48:912-921; Mazzarotto F et al. Genet Med, 2019 02;21:284-292; van Lint FHM et al. Neth Heart J, 2019 Jun;27:304-309; Verdonschot JAJ et al. Circ Genom Precis Med, 2020 10;13:476-487). This amino acid position is highly conserved in available vertebrate species. In addition, the in silico prediction for this alteration is inconclusive. Since supporting evidence is limited at this time, the clinical significance of this alteration remains unclear.

Laboratoire de Génétique Moléculaire, CHU Bordeaux
Classification: Likely pathogenic for Atrial septal defect 3. Last evaluated: 2023-09-26. Review status: criteria provided, single submitter. Criteria: ACMG Guidelines, 2015. Collection method: clinical testing. Allele origin: germline. Affected: yes.

Women's Health and Genetics/Laboratory Corporation of America, LabCorp
Classification: Uncertain significance. Last evaluated: 2022-11-14. Review status: criteria provided, single submitter. Criteria: LabCorp Variant Classification Summary - May 2015. Collection method: clinical testing. Allele origin: germline.
Comment: Variant summary: MYH6 c.5519A>G (p.Lys1840Arg) results in a conservative amino acid change located in the Myosin tail (IPR002928) of the encoded protein sequence. Three of five in-silico tools predict a damaging effect of the variant on protein function. The variant allele was found at a frequency of 5.6e-05 in 250862 control chromosomes. The observed variant frequency is approximately 2.23 fold of the estimated maximal expected allele frequency for a pathogenic variant in MYH6 causing Cardiomyopathy phenotype (2.5e-05), suggesting that the variant is benign. c.5519A>G has been reported in the literature in individuals affected with Cardiomyopathy and Hypoplastic left heart syndrome without evidence of causality (e.g. Tomita-Mitchell_2016, Rubattu_2016, Preveden_2022). These reports do not provide unequivocal conclusions about association of the variant with Cardiomyopathy. To our knowledge, no experimental evidence demonstrating an impact on protein function has been reported. Five clinical diagnostic laboratories have submitted clinical-significance assessments for this variant to ClinVar after 2014 without evidence for independent evaluation. All laboratories classified the variant as uncertain significance. Based on the evidence outlined above, the variant was classified as uncertain significance.

Fulgent Genetics
Classification: Uncertain significance for Hypertrophic cardiomyopathy 1; Hypertrophic cardiomyopathy 14; Dilated cardiomyopathy 1EE; Atrial septal defect 3; Sick sinus syndrome 3, susceptibility to. Last evaluated: 2021-08-30. Review status: criteria provided, single submitter. Criteria: ACMG Guidelines, 2015. Collection method: clinical testing. Allele origin: unknown.

GeneDx
Classification: Uncertain significance. Last evaluated: 2020-01-23. Review status: criteria provided, single submitter. Criteria: GeneDx Variant Classification Process June 2021. Collection method: clinical testing. Allele origin: germline. Affected: yes.
Comment: Reported in one individual with late-onset hypertrophic cardiomyopathy and one individual with hypoplastic left heart syndrome (Rubattu et al., 2016; Tomita-Mitchell et al., 2016); Reported in ClinVar as a variant of uncertain significance (ClinVar Variant ID# 264214; Landrum et al., 2016); At the protein level, in silico analysis, which includes protein predictors and evolutionary conservation, supports that this variant does not alter protein structure/function; At the mRNA level, in-silico analysis, which includes splice predictors and evolutionary conservation, is inconclusive as to whether the variant alters gene splicing; in the absence of RNA/functional studies, the actual effect of this sequence change is unknown; This variant is associated with the following publications: (PMID: 27483260, 27789736, 30847666, 32880476)

Molecular Diagnostic Laboratory for Inherited Cardiovascular Disease, Montreal Heart Institute
Classification: Uncertain significance for Left ventricular noncompaction 1. Last evaluated: 2019-01-04. Review status: criteria provided, single submitter. Criteria: ACMG Guidelines, 2015. Collection method: clinical testing. Allele origin: germline. Affected: yes.

Institute of Human Genetics, University of Leipzig Medical Center
Classification: Uncertain significance for Dilated cardiomyopathy 1EE. Last evaluated: 2019-01-01. Review status: criteria provided, single submitter. Criteria: ACMG Guidelines, 2015. Collection method: clinical testing. Allele origin: unknown. Affected: yes.

Clinical Genetics DNA and cytogenetics Diagnostics Lab, Erasmus MC, Erasmus Medical Center
Classification: Uncertain significance. Review status: no assertion criteria provided. Collection method: clinical testing. Allele origin: germline. Affected: yes. Study: VKGL Data-share Consensus. Not counted in ClinVar's aggregate classification.

Clinical Genetics, Academic Medical Center
Classification: Uncertain significance. Review status: no assertion criteria provided. Collection method: clinical testing. Allele origin: germline. Affected: yes. Study: VKGL Data-share Consensus. Not counted in ClinVar's aggregate classification.

Diagnostic Laboratory, Department of Genetics, University Medical Center Groningen
Classification: Uncertain significance. Review status: no assertion criteria provided. Collection method: clinical testing. Allele origin: germline. Affected: yes. Study: VKGL Data-share Consensus. Not counted in ClinVar's aggregate classification.

Dr. Peter K. Rogan Lab, Western University
No classification provided (evidence only). Condition: Malignant lymphoma, large B-cell, diffuse. Review status: no classification provided. Collection method: in vitro. Allele origin: not applicable. Functional consequence: retained intron. Not counted in ClinVar's aggregate classification.

Joint Genome Diagnostic Labs from Nijmegen and Maastricht, Radboudumc and MUMC+
Classification: Uncertain significance. Review status: no assertion criteria provided. Collection method: clinical testing. Allele origin: germline. Affected: yes. Study: VKGL Data-share Consensus. Not counted in ClinVar's aggregate classification.

Literature cited by the submitters: PubMed 39596649 (cited by Dasa and Labcorp Genetics (formerly Invitae), Labcorp); PubMed 29875424 (cited by 3 submitters); PubMed 27483260 (cited by 4 submitters); PubMed 27789736 (cited by 3 submitters); PubMed 30847666 (cited by 3 submitters); PubMed 32880476 (cited by 3 submitters); PubMed 24120998 (cited by Women's Health and Genetics/Laboratory Corporation of America, LabCorp); PubMed 35208637 (cited by Women's Health and Genetics/Laboratory Corporation of America, LabCorp).

NM_002471.4(MYH6):c.5519A>G (p.Lys1840Arg)

Gene: MYH6 (myosin heavy chain 6; minus strand). Cytogenetic location: 14q11.2.
Variant type: single nucleotide variant.
Coding change: c.5519A>G on transcript NM_002471.4 (MANE Select); coding-DNA position 5519, A replaced by G.
Protein change: p.Lys1840Arg; replaces lysine 1840 with arginine.
Molecular consequence: missense variant.
Genome position (GRCh38, 1-based): chr14:23,384,488, T>C on the plus strand (A>G on the coding strand, the complement: MYH6 is on the minus strand). VCF-style: chr14-23384488-T-C. GRCh37 (hg19) VCF-style: chr14-23853697-T-C.
Other names: short protein forms K1840R.
Identifiers: ClinVar variation 264214 (VCV000264214.41), dbSNP rs373629059, ClinGen allele CA7114413.